The following is an entry in ClinVar:

NM_005475.3(SH2B3):c.1637C>A (p.Pro546His)

Gene: SH2B3 (SH2B adaptor protein 3; plus strand). Cytogenetic location: 12q24.12.
Variant type: single nucleotide variant.
Coding change: c.1637C>A on transcript NM_005475.3 (MANE Select); coding-DNA position 1637, C replaced by A.
Protein change: p.Pro546His; replaces proline 546 with histidine.
Molecular consequence: missense variant.
Genome position (GRCh38, 1-based): chr12:111,448,211, C>A. VCF-style: chr12-111448211-C-A. GRCh37 (hg19) VCF-style: chr12-111886015-C-A.
Other names: c.1031C>A, p.Pro344His (NM_001291424.1); short protein forms P546H, P344H.
Identifiers: ClinVar variation 3795007 (VCV003795007.1).

ClinVar aggregate classification (germline): Uncertain significance (1 of 4 stars; one submission).

Conditions:
Inborn genetic diseases. Identifiers: MedGen C0950123, MeSH D030342.

Submission:

Ambry Genetics
Classification: Uncertain significance for Inborn genetic diseases. Last evaluated: 2024-12-17. Review status: criteria provided, single submitter. Criteria: Ambry Variant Classification Scheme 2023. Collection method: clinical testing. Allele origin: germline.
Comment: The p.P546H variant (also known as c.1637C>A), located in coding exon 7 of the SH2B3 gene, results from a C to A substitution at nucleotide position 1637. The proline at codon 546 is replaced by histidine, an amino acid with similar properties. This amino acid position is conserved. In addition, this alteration is predicted to be tolerated by in silico analysis. Based on the available evidence, the clinical significance of this variant remains unclear.